The following is an entry in ClinVar:

NM_001289080.2(CNTN6):c.1198G>C (p.Glu400Gln)

Gene: CNTN6 (contactin 6; plus strand). Cytogenetic location: 3p26.3.
Variant type: single nucleotide variant.
Coding change: c.1198G>C on transcript NM_001289080.2 (MANE Select); coding-DNA position 1198, G replaced by C.
Protein change: p.Glu400Gln; replaces glutamic acid 400 with glutamine.
Molecular consequence: missense variant. On other transcripts: intron variant (1).
Genome position (GRCh38, 1-based): chr3:1,327,571, G>C. VCF-style: chr3-1327571-G-C. GRCh37 (hg19) VCF-style: chr3-1369255-G-C.
Other names: c.982G>C, p.Glu328Gln (NM_001289081.2); c.1198G>C, p.Glu400Gln (NM_001349350.2, NM_001349351.2, NM_001349352.2 and 4 more transcripts); c.1090G>C, p.Glu364Gln (NM_001349356.2); c.886G>C, p.Glu296Gln (NM_001349357.2); c.76G>C, p.Glu26Gln (NM_001349359.2, NM_001349360.2, NM_001349361.2 and 1 more transcripts); c.1198G>C (NM_014461.3); c.659-2214G>C (NM_001349358.2); short protein forms E26Q, E296Q, E328Q, E364Q, E400Q.
Identifiers: ClinVar variation 2653439 (VCV002653439.25), dbSNP rs137876595, ClinGen allele CA2226065.

ClinVar aggregate classification (germline): Benign. Review status: criteria provided, single submitter (1 of 4 stars). 2 submissions from 2 submitters: Benign (1). 1 of the submissions does not count toward it. Last evaluated 2026-08-01.

Conditions:
CNTN6-related disorder. Also called: CNTN6-related condition.

Allele frequency attached by ClinVar (database versions not stated): gnomAD exomes 0.00067; gnomAD 0.00071; TOPMed 0.00086; ESP Exome Variant Server 0.00092; ExAC 0.00105.
gnomAD v4.1: 1,179 of 1,609,970 alleles (0.073%); highest among the groups gnomAD compares: Middle Eastern, 1.9%; 11 homozygotes.

Submissions (2):

CeGaT Center for Human Genetics Tuebingen
Classification: Benign. Last evaluated: 2026-08-01. Review status: criteria provided, single submitter. Criteria: CeGaT Center For Human Genetics Tuebingen Variant Classification Criteria Version 2. Collection method: clinical testing. Allele origin: germline. Affected: yes. Observed: 5 variant alleles.
Comment: CNTN6: BS1, BS2

PreventionGenetics, part of Exact Sciences
Classification: Benign for CNTN6-related condition. Last evaluated: 2019-05-21. Review status: no assertion criteria provided. Collection method: clinical testing. Allele origin: germline. Not counted in ClinVar's aggregate classification.
Comment: This variant is classified as benign based on ACMG/AMP sequence variant interpretation guidelines (Richards et al. 2015 PMID: 25741868, with internal and published modifications).